The following is an entry in ClinVar:

ClinVar aggregate classification (germline): Uncertain significance. Review status: criteria provided, multiple submitters, no conflicts (2 of 4 stars). 2 submissions from 2 submitters: Uncertain significance (2). Last evaluated 2025-12-02.

Conditions:
Myofibrillar myopathy 5. Also called: Filaminopathy (type); FILAMINOPATHY, AUTOSOMAL DOMINANT. Identifiers: Orphanet 171445, MedGen C1836050, MONDO:0012289, OMIM 609524.
Hypertrophic cardiomyopathy 26. Also called: Cardiomyopathy, familial hypertrophic, 26. Identifiers: Orphanet 75249, MedGen C4310749, MONDO:0014883, OMIM 617047.
Distal myopathy with posterior leg and anterior hand involvement. Also called: WILLIAMS DISTAL MYOPATHY. Identifiers: Orphanet 63273, MedGen C3279722, MONDO:0013550, OMIM 614065.
Cardiovascular phenotype. Identifiers: MedGen CN230736.

Allele frequency attached by ClinVar (database versions not stated): gnomAD exomes below 0.00001.
gnomAD v4.1: 2 of 1,612,204 alleles (0.00012%); highest among the groups gnomAD compares: Admixed American, 0.0017%; no homozygotes.

Submissions (2):

Ambry Genetics
Classification: Uncertain significance for Cardiovascular phenotype. Last evaluated: 2025-12-02. Review status: criteria provided, single submitter. Criteria: Ambry Variant Classification Scheme 2023. Collection method: clinical testing. Allele origin: germline.

Labcorp Genetics (formerly Invitae), Labcorp
Classification: Uncertain significance for Distal myopathy with posterior leg and anterior hand involvement; Myofibrillar myopathy 5; Hypertrophic cardiomyopathy 26. Last evaluated: 2022-08-16. Review status: criteria provided, single submitter. Criteria: Invitae Variant Classification Sherloc (09022015). Collection method: clinical testing. Allele origin: germline.
Comment: This variant has not been reported in the literature in individuals affected with FLNC-related conditions. ClinVar contains an entry for this variant (Variation ID: 1396526). Algorithms developed to predict the effect of missense changes on protein structure and function are either unavailable or do not agree on the potential impact of this missense change (SIFT: "Deleterious"; PolyPhen-2: "Benign"; Align-GVGD: "Class C0"). In summary, the available evidence is currently insufficient to determine the role of this variant in disease. Therefore, it has been classified as a Variant of Uncertain Significance. This variant is present in population databases (no rsID available, gnomAD 0.0009%). This sequence change replaces valine, which is neutral and non-polar, with methionine, which is neutral and non-polar, at codon 2221 of the FLNC protein (p.Val2221Met).

NM_001458.5(FLNC):c.6661G>A (p.Val2221Met)

Genes: FLNC (filamin C; plus strand), FLNC-AS1 (FLNC antisense RNA 1; minus strand). Cytogenetic location: 7q32.1.
Variant type: single nucleotide variant.
Coding change: c.6661G>A on transcript NM_001458.5 (MANE Select); coding-DNA position 6661, G replaced by A.
Protein change: p.Val2221Met; replaces valine 2221 with methionine.
Molecular consequence: missense variant.
Genome position (GRCh38, 1-based): chr7:128,854,150, G>A. VCF-style: chr7-128854150-G-A. GRCh37 (hg19) VCF-style: chr7-128494204-G-A.
Other names: c.6562G>A, p.Val2188Met (NM_001127487.2); c.6661G>A (NM_001458.4); short protein forms V2188M, V2221M.
Identifiers: ClinVar variation 1396526 (VCV001396526.9), dbSNP rs1198252355, ClinGen allele CA369213035.